The following is an entry in ClinVar:

NM_000061.3(BTK):c.355G>A (p.Glu119Lys)

Gene: BTK (Bruton tyrosine kinase; minus strand). Cytogenetic location: Xq22.1.
Variant type: single nucleotide variant.
Coding change: c.355G>A on transcript NM_000061.3 (MANE Select); coding-DNA position 355, G replaced by A.
Protein change: p.Glu119Lys; replaces glutamic acid 119 with lysine.
Molecular consequence: missense variant.
Genome position (GRCh38, 1-based): chrX:101,370,034, C>T on the plus strand (G>A on the coding strand, the complement: BTK is on the minus strand). VCF-style: chrX-101370034-C-T. GRCh37 (hg19) VCF-style: chrX-100625022-C-T.
Other names: c.457G>A, p.Glu153Lys (NM_001287344.2); c.355G>A, p.Glu119Lys (NM_001287345.2); short protein forms E153K, E119K.
Identifiers: ClinVar variation 2824772 (VCV002824772.3), dbSNP rs2520657338, ClinGen allele CA413937085.

ClinVar aggregate classification (germline): Uncertain significance (1 of 4 stars; one submission).

Conditions:
X-linked agammaglobulinemia with growth hormone deficiency (IGHD3). Also called: FLEISHER SYNDROME; Isolated growth hormone deficiency type 3; Growth hormone deficiency with hypogammaglobulinemia; AGAMMAGLOBULINEMIA AND ISOLATED GROWTH HORMONE DEFICIENCY, X-LINKED; HYPOGAMMAGLOBULINEMIA AND ISOLATED GROWTH HORMONE DEFICIENCY, X-LINKED; IGHD III. Identifiers: Orphanet 231692, Orphanet 631, MedGen C0472813, MONDO:0010615, OMIM 307200.

Submission:

Labcorp Genetics (formerly Invitae), Labcorp
Classification: Uncertain significance for X-linked agammaglobulinemia with growth hormone deficiency. Last evaluated: 2022-12-29. Review status: criteria provided, single submitter. Criteria: Invitae Variant Classification Sherloc (09022015). Collection method: clinical testing. Allele origin: germline.
Comment: This sequence change replaces glutamic acid, which is acidic and polar, with lysine, which is basic and polar, at codon 119 of the BTK protein (p.Glu119Lys). This variant is not present in population databases (gnomAD no frequency). This variant has not been reported in the literature in individuals affected with BTK-related conditions. Advanced modeling of protein sequence and biophysical properties (such as structural, functional, and spatial information, amino acid conservation, physicochemical variation, residue mobility, and thermodynamic stability) performed at Invitae indicates that this missense variant is not expected to disrupt BTK protein function. In summary, the available evidence is currently insufficient to determine the role of this variant in disease. Therefore, it has been classified as a Variant of Uncertain Significance.